The following is an entry in ClinVar:

ClinVar aggregate classification (germline): Uncertain significance (1 of 4 stars; one submission).

Conditions:
Lower motor neuron syndrome with late-adult onset (SMAJ). Also called: Spinal muscular atrophy, Jokela type; Late-Onset Spinal Motor Neuronopathy (SMAJ). Identifiers: Orphanet 276435, MedGen C3554398, MONDO:0014025, OMIM 615048.
Frontotemporal dementia and/or amyotrophic lateral sclerosis 2. Also called: FTDALS2. Identifiers: Orphanet 275872, MedGen C4014648, MONDO:0014395, OMIM 615911.
Autosomal dominant mitochondrial myopathy with exercise intolerance (IMMD). Also called: Myopathy, isolated mitochondrial, autosomal dominant. Identifiers: Orphanet 457050, MedGen C4015513, MONDO:0014532, OMIM 616209.

Submission:

Labcorp Genetics (formerly Invitae), Labcorp
Classification: Uncertain significance for Lower motor neuron syndrome with late-adult onset; Frontotemporal dementia and/or amyotrophic lateral sclerosis 2; Autosomal dominant mitochondrial myopathy with exercise intolerance. Last evaluated: 2025-09-22. Review status: criteria provided, single submitter. Criteria: Invitae Variant Classification Sherloc (09022015). Collection method: clinical testing. Allele origin: germline.
Comment: This sequence change replaces glycine, which is neutral and non-polar, with tryptophan, which is neutral and slightly polar, at codon 43 of the CHCHD10 protein (p.Gly43Trp). This variant is not present in population databases (gnomAD no frequency). This variant has not been reported in the literature in individuals affected with CHCHD10-related conditions. An algorithm developed to predict the effect of missense changes on protein structure and function (PolyPhen-2) suggests that this variant is likely to be disruptive. In summary, the available evidence is currently insufficient to determine the role of this variant in disease. Therefore, it has been classified as a Variant of Uncertain Significance.

NM_213720.3(CHCHD10):c.127G>T (p.Gly43Trp)

Gene: CHCHD10 (coiled-coil-helix-coiled-coil-helix domain containing 10; minus strand). Cytogenetic location: 22q11.23.
Variant type: single nucleotide variant.
Coding change: c.127G>T on transcript NM_213720.3 (MANE Select); coding-DNA position 127, G replaced by T.
Protein change: p.Gly43Trp; replaces glycine 43 with tryptophan.
Molecular consequence: missense variant. On other transcripts: non-coding transcript variant (1).
Genome position (GRCh38, 1-based): chr22:23,767,508, C>A on the plus strand (G>T on the coding strand, the complement: CHCHD10 is on the minus strand). VCF-style: chr22-23767508-C-A. GRCh37 (hg19) VCF-style: chr22-24109695-C-A.
Other names: c.127G>T, p.Gly43Trp (NM_001301339.2); short protein forms G43W.
Identifiers: ClinVar variation 4789875 (VCV004789875.1).